The following is an entry in ClinVar:

ClinVar aggregate classification (germline): Uncertain significance (1 of 4 stars; one submission).

Submission:

GeneDx
Classification: Uncertain significance. Last evaluated: 2024-03-27. Review status: criteria provided, single submitter. Criteria: GeneDx Variant Classification Process June 2021. Collection method: clinical testing. Allele origin: germline. Affected: yes.
Comment: Has not been previously published as pathogenic or benign to our knowledge; Frameshift variant predicted to result in abnormal protein length as the last 9 amino acids are replaced with 124 different amino acids in a gene for which loss-of-function is not an established mechanism of disease; Not observed at significant frequency in large population cohorts (gnomAD)

NM_018026.4(PACS1):c.2864_2876del (p.Gly955fs)

Gene: PACS1 (phosphofurin acidic cluster sorting protein 1; plus strand). Cytogenetic location: 11q13.2.
Variant type: Deletion.
Coding change: c.2864_2876del on transcript NM_018026.4 (MANE Select); coding-DNA positions 2864 to 2876, 13 bases deleted (GACTCTTCAGTGG).
Protein change: p.Gly955fs; shifts the reading frame from glycine 955.
Molecular consequence: frameshift variant.
Genome position (GRCh38, 1-based): chr11:66,243,252-66,243,264, GACTCTTCAGTGG deleted; deleting any 13 consecutive bases within chr11:66,243,246-66,243,264 gives the same sequence; the c. name uses the placement nearest the transcript's 3' end. VCF-style (leftmost placement, unchanged base first): chr11-66243245-CCAGTGGGACTCTT-C. GRCh37 (hg19) VCF-style: chr11-66010716-CCAGTGGGACTCTT-C.
Other names: short protein forms G955fs.
Identifiers: ClinVar variation 3343693 (VCV003343693.1).